The following is an entry in ClinVar:

NM_001267550.2(TTN):c.74444del (p.Pro24815fs)

Genes: TTN-AS1 (TTN antisense RNA 1; plus strand), TTN (titin; minus strand). Cytogenetic location: 2q31.2.
Variant type: Deletion.
Coding change: c.74444del on transcript NM_001267550.2 (MANE Select); coding-DNA position 74444, one base deleted (C; older notation c.74444delC).
Protein change: p.Pro24815fs; shifts the reading frame from proline 24815.
Molecular consequence: frameshift variant.
Genome position (GRCh38, 1-based): chr2:178,571,688, G deleted on the plus strand (C on the coding strand, the reverse complement: TTN is on the minus strand); the first of 2 consecutive G bases (chr2:178,571,688-178,571,689); deleting either gives the same sequence. VCF-style (leftmost placement, unchanged base first): chr2-178571687-TG-T. GRCh37 (hg19) VCF-style: chr2-179436414-TG-T.
Other names: c.69521del, p.Pro23174fs (NM_001256850.1); c.47249del, p.Pro15750fs (NM_003319.4); c.66740del, p.Pro22247fs (NM_133378.4); c.47624del, p.Pro15875fs (NM_133432.3); c.47825del, p.Pro15942fs (NM_133437.4); short protein forms P15942fs, P24815fs, P15875fs, P23174fs, P15750fs, P22247fs.
Identifiers: ClinVar variation 2941491 (VCV002941491.3), dbSNP rs2468504444, ClinGen allele CA2740096021.

ClinVar aggregate classification (germline): Pathogenic (1 of 4 stars; one submission).

Conditions:
Dilated cardiomyopathy 1G (CMD1G). Identifiers: Orphanet 154, MedGen C1858763, MONDO:0011400, OMIM 604145.
Autosomal recessive limb-girdle muscular dystrophy type 2J (LGMDR10). Also called: Limb-girdle muscular dystrophy, type 2J; MUSCULAR DYSTROPHY, LIMB-GIRDLE, AUTOSOMAL RECESSIVE 10. Identifiers: Orphanet 140922, MedGen C1837342, MONDO:0012127, OMIM 608807.

Submission:

Labcorp Genetics (formerly Invitae), Labcorp
Classification: Pathogenic for Dilated cardiomyopathy 1G; Autosomal recessive limb-girdle muscular dystrophy type 2J. Last evaluated: 2023-08-10. Review status: criteria provided, single submitter. Criteria: Invitae Variant Classification Sherloc (09022015). Collection method: clinical testing. Allele origin: germline.
Comment: For these reasons, this variant has been classified as Pathogenic. This variant is located in the A band of TTN (PMID: 25589632). Truncating variants in this region are significantly overrepresented in patients affected with dilated cardiomyopathy (PMID: 25589632). Truncating variants in this region have also been reported in individuals affected with autosomal recessive centronuclear myopathy (PMID: 23975875). This premature translational stop signal has been observed in individual(s) with dilated cardiomyopathy (Invitae). It has also been observed to segregate with disease in related individuals. This variant is not present in population databases (gnomAD no frequency). This sequence change creates a premature translational stop signal (p.Pro24815Glnfs*7) in the TTN gene. While this is not anticipated to result in nonsense mediated decay, it is expected to create a truncated TTN protein.

Literature cited by the submitters: PubMed 25589632; PubMed 23975875.